The following is an entry in ClinVar:

ClinVar aggregate classification (germline): Uncertain significance (1 of 4 stars; one submission).

Allele frequency attached by ClinVar (database versions not stated): gnomAD exomes below 0.00001; TOPMed 0.00001.
gnomAD v4.1: 6 of 1,610,892 alleles (0.00037%); highest among the groups gnomAD compares: Non-Finnish European, 0.00051%; no homozygotes.

Submission:

Ambry Genetics
Classification: Uncertain significance. Last evaluated: 2024-12-03. Review status: criteria provided, single submitter. Criteria: Ambry Variant Classification Scheme 2023. Collection method: clinical testing. Allele origin: germline.
Comment: The p.G422S variant (also known as c.1264G>A), located in coding exon 2 of the CDK12 gene, results from a G to A substitution at nucleotide position 1264. The glycine at codon 422 is replaced by serine, an amino acid with similar properties. This amino acid position is conserved. In addition, this alteration is predicted to be tolerated by in silico analysis. Based on the available evidence, the clinical significance of this variant remains unclear.

NM_016507.4(CDK12):c.1264G>A (p.Gly422Ser)

Gene: CDK12 (cyclin dependent kinase 12; plus strand). Cytogenetic location: 17q12.
Variant type: single nucleotide variant.
Coding change: c.1264G>A on transcript NM_016507.4 (MANE Select); coding-DNA position 1264, G replaced by A.
Protein change: p.Gly422Ser; replaces glycine 422 with serine.
Molecular consequence: missense variant.
Genome position (GRCh38, 1-based): chr17:39,471,096, G>A. VCF-style: chr17-39471096-G-A. GRCh37 (hg19) VCF-style: chr17-37627349-G-A.
Other names: c.1264G>A, p.Gly422Ser (NM_015083.4); short protein forms G422S.
Identifiers: ClinVar variation 2530162 (VCV002530162.3), dbSNP rs1385997494, ClinGen allele CA398849990.